The following is an entry in ClinVar:

ClinVar aggregate classification (germline): Uncertain significance. Review status: criteria provided, multiple submitters, no conflicts (2 of 4 stars). 2 submissions from 2 submitters: Uncertain significance (2). Last evaluated 2026-06-25.

Conditions:
Hereditary cancer-predisposing syndrome. Also called: Tumor predisposition; Hereditary Cancer Syndrome; Hereditary neoplastic syndrome; Neoplastic Syndromes, Hereditary. Identifiers: Orphanet 140162, MedGen C0027672, MeSH D009386, MONDO:0015356.
Familial cancer of breast. Also called: Hereditary breast cancer; hereditary breast carcinoma; BREAST CANCER, FAMILIAL. Identifiers: Orphanet 227535, MedGen C0346153, MONDO:0016419, OMIM 114480. Disease mechanism: loss of function.

Submissions (2):

Ambry Genetics
Classification: Uncertain significance for Hereditary cancer-predisposing syndrome. Last evaluated: 2026-06-25. Review status: criteria provided, single submitter. Criteria: Ambry Variant Classification Scheme 2023. Collection method: clinical testing. Allele origin: germline.
Comment: The p.D893G variant (also known as c.2678A>G), located in coding exon 7 of the PALB2 gene, results from an A to G substitution at nucleotide position 2678. The aspartic acid at codon 893 is replaced by glycine, an amino acid with similar properties. This amino acid position is conserved. In addition, this alteration is predicted to be tolerated by in silico analysis. Based on the available evidence, the clinical significance of this variant remains unclear.

Labcorp Genetics (formerly Invitae), Labcorp
Classification: Uncertain significance for Familial cancer of breast. Last evaluated: 2025-09-10. Review status: criteria provided, single submitter. Criteria: Invitae Variant Classification Sherloc (09022015). Collection method: clinical testing. Allele origin: germline.
Comment: This sequence change replaces aspartic acid, which is acidic and polar, with glycine, which is neutral and non-polar, at codon 893 of the PALB2 protein (p.Asp893Gly). This variant is not present in population databases (gnomAD no frequency). This variant has not been reported in the literature in individuals affected with PALB2-related conditions. ClinVar contains an entry for this variant (Variation ID: 1045297). Invitae Evidence Modeling of protein sequence and biophysical properties (such as structural, functional, and spatial information, amino acid conservation, physicochemical variation, residue mobility, and thermodynamic stability) indicates that this missense variant is not expected to disrupt PALB2 protein function with a negative predictive value of 80%. RNA analysis performed to evaluate the impact of this missense change on mRNA splicing indicates it does not significantly alter splicing (internal data). In summary, the available evidence is currently insufficient to determine the role of this variant in disease. Therefore, it has been classified as a Variant of Uncertain Significance.

NM_024675.4(PALB2):c.2678A>G (p.Asp893Gly)

Gene: PALB2 (partner and localizer of BRCA2; minus strand). Cytogenetic location: 16p12.2.
Variant type: single nucleotide variant.
Coding change: c.2678A>G on transcript NM_024675.4 (MANE Select); coding-DNA position 2678, A replaced by G.
Protein change: p.Asp893Gly; replaces aspartic acid 893 with glycine.
Molecular consequence: missense variant.
Genome position (GRCh38, 1-based): chr16:23,626,306, T>C on the plus strand (A>G on the coding strand, the complement: PALB2 is on the minus strand). VCF-style: chr16-23626306-T-C. GRCh37 (hg19) VCF-style: chr16-23637627-T-C.
Other names: c.2678A>G (NM_024675.3); short protein forms D893G.
Identifiers: ClinVar variation 1045297 (VCV001045297.10), dbSNP rs1060502783, ClinGen allele CA395122020.